The following is an entry in ClinVar:

ClinVar aggregate classification (germline): Pathogenic (1 of 4 stars; one submission).

Allele frequency attached by ClinVar (database versions not stated): gnomAD exomes below 0.00001.

Submission:

Labcorp Genetics (formerly Invitae), Labcorp
Classification: Pathogenic. Last evaluated: 2021-09-08. Review status: criteria provided, single submitter. Criteria: Invitae Variant Classification Sherloc (09022015). Collection method: clinical testing. Allele origin: germline.
Comment: This variant is not present in population databases (ExAC no frequency). For these reasons, this variant has been classified as Pathogenic. This variant has not been reported in the literature in individuals affected with GLE1-related conditions. This sequence change creates a premature translational stop signal (p.Glu197Glyfs*11) in the GLE1 gene. It is expected to result in an absent or disrupted protein product. Loss-of-function variants in GLE1 are known to be pathogenic (PMID: 18204449, 24243016, 27684565).

Literature cited by the submitters: PubMed 18204449; PubMed 24243016; PubMed 27684565.

NM_001003722.2(GLE1):c.590_591del (p.Glu197fs)

Gene: GLE1 (GLE1 RNA export mediator; plus strand). Cytogenetic location: 9q34.11.
Variant type: Deletion.
Coding change: c.590_591del on transcript NM_001003722.2 (MANE Select); coding-DNA positions 590 to 591, 2 bases deleted (AA; older notation c.590_591delAA).
Protein change: p.Glu197fs; shifts the reading frame from glutamic acid 197.
Molecular consequence: frameshift variant.
Genome position (GRCh38, 1-based): chr9:128,523,288-128,523,289, AA deleted. VCF-style (leftmost placement, unchanged base first): chr9-128523287-GAA-G. GRCh37 (hg19) VCF-style: chr9-131285566-GAA-G.
Other names: c.590_591del, p.Glu197fs (NM_001499.2); short protein forms E197fs.
Identifiers: ClinVar variation 1350943 (VCV001350943.6), dbSNP rs2132457005, ClinGen allele CA2573144019.